The following is an entry in ClinVar:

NM_004656.4(BAP1):c.1801A>T (p.Lys601Ter)

Gene: BAP1 (BRCA1 associated deubiquitinase 1; minus strand). Cytogenetic location: 3p21.1.
Variant type: single nucleotide variant.
Coding change: c.1801A>T on transcript NM_004656.4 (MANE Select); coding-DNA position 1801, A replaced by T.
Protein change: p.Lys601Ter; replaces lysine 601 with a stop codon.
Molecular consequence: nonsense.
Genome position (GRCh38, 1-based): chr3:52,403,227, T>A on the plus strand (A>T on the coding strand, the complement: BAP1 is on the minus strand). VCF-style: chr3-52403227-T-A. GRCh37 (hg19) VCF-style: chr3-52437243-T-A.
Other names: c.1747A>T, p.Lys583Ter (NM_001410772.1); short protein forms K583*, K601*.
Identifiers: ClinVar variation 1780409 (VCV001780409.2), dbSNP rs142059527, ClinGen allele CA353098724.

ClinVar aggregate classification (germline): Pathogenic (1 of 4 stars; one submission).

Conditions:
Hereditary cancer-predisposing syndrome. Also called: Neoplastic Syndromes, Hereditary; Tumor predisposition; Hereditary Cancer Syndrome; Hereditary neoplastic syndrome. Identifiers: Orphanet 140162, MedGen C0027672, MeSH D009386, MONDO:0015356.

Submission:

Ambry Genetics
Classification: Pathogenic for Hereditary cancer-predisposing syndrome. Last evaluated: 2017-03-08. Review status: criteria provided, single submitter. Criteria: Ambry Variant Classification Scheme 2023. Collection method: clinical testing. Allele origin: germline.
Comment: The p.K601* pathogenic mutation (also known as c.1801A>T), located in coding exon 14 of the BAP1 gene, results from an A to T substitution at nucleotide position 1801. This changes the amino acid from a lysine to a stop codon within coding exon 14. This alteration is expected to result in loss of function by premature protein truncation or nonsense-mediated mRNA decay. As such, this alteration is interpreted as a disease-causing mutation.